The following is an entry in ClinVar:

NM_004393.6(DAG1):c.1535C>T (p.Thr512Ile)

Gene: DAG1 (dystroglycan 1; plus strand). Cytogenetic location: 3p21.31.
Variant type: single nucleotide variant.
Coding change: c.1535C>T on transcript NM_004393.6 (MANE Select); coding-DNA position 1535, C replaced by T.
Protein change: p.Thr512Ile; replaces threonine 512 with isoleucine.
Molecular consequence: missense variant.
Genome position (GRCh38, 1-based): chr3:49,532,046, C>T. VCF-style: chr3-49532046-C-T. GRCh37 (hg19) VCF-style: chr3-49569479-C-T.
Other names: c.1535C>T, p.Thr512Ile (NM_001177644.3, NM_001165928.4, NM_001177634.3 and 9 more transcripts); short protein forms T512I.
Identifiers: ClinVar variation 471769 (VCV000471769.10), dbSNP rs527867946, ClinGen allele CA2399099.

ClinVar aggregate classification (germline): Uncertain significance. Review status: criteria provided, multiple submitters, no conflicts (2 of 4 stars). 4 submissions from 4 submitters: Uncertain significance (4). Last evaluated 2025-02-25.

Conditions:
Autosomal recessive limb-girdle muscular dystrophy type 2P. Also called: MUSCULAR DYSTROPHY-DYSTROGLYCANOPATHY, LIMB-GIRDLE, DAG1-RELATED; Limb-Girdle Muscular Dystrophy Type 9C; MUSCULAR DYSTROPHY, LIMB-GIRDLE, TYPE 2P. Identifiers: Orphanet 280333, MedGen C4511963, MONDO:0013440, OMIM 613818.
Muscular dystrophy-dystroglycanopathy (congenital with brain and eye anomalies), type A9. Also called: WALKER-WARBURG SYNDROME OR MUSCLE-EYE BRAIN DISEASE, DAG1-RELATED; Muscular dystrophy-dystroglycanopathy (congenital with brain and eye anomalies), type a, 9. Identifiers: Orphanet 370997, Orphanet 899, MedGen C4225291, MONDO:0014683, OMIM 616538.

Allele frequency attached by ClinVar (database versions not stated): gnomAD 0.00002 and 0.00005; TOPMed 0.00005; 1000 Genomes Project 30x 0.00047; 1000 Genomes Project 0.00060.
gnomAD v4.1: 34 of 1,614,198 alleles (0.0021%); highest among the groups gnomAD compares: East Asian, 0.067%; no homozygotes.

Submissions (4):

Revvity Omics, Revvity
Classification: Uncertain significance. Last evaluated: 2025-02-25. Review status: criteria provided, single submitter. Criteria: ACMG Guidelines, 2015. Collection method: clinical testing. Allele origin: germline.

Blueprint Genetics
Classification: Uncertain significance. Last evaluated: 2024-04-30. Review status: criteria provided, single submitter. Criteria: ACMG Guidelines, 2015. Collection method: clinical testing. Allele origin: germline.

Labcorp Genetics (formerly Invitae), Labcorp
Classification: Uncertain significance for Autosomal recessive limb-girdle muscular dystrophy type 2P; Muscular dystrophy-dystroglycanopathy (congenital with brain and eye anomalies), type A9. Last evaluated: 2022-06-20. Review status: criteria provided, single submitter. Criteria: Invitae Variant Classification Sherloc (09022015). Collection method: clinical testing. Allele origin: germline.
Comment: This sequence change replaces threonine, which is neutral and polar, with isoleucine, which is neutral and non-polar, at codon 512 of the DAG1 protein (p.Thr512Ile). This variant is present in population databases (rs527867946, gnomAD 0.1%). This variant has not been reported in the literature in individuals affected with DAG1-related conditions. ClinVar contains an entry for this variant (Variation ID: 471769). Algorithms developed to predict the effect of missense changes on protein structure and function are either unavailable or do not agree on the potential impact of this missense change (SIFT: "Deleterious"; PolyPhen-2: "Probably Damaging"; Align-GVGD: "Class C0"). In summary, the available evidence is currently insufficient to determine the role of this variant in disease. Therefore, it has been classified as a Variant of Uncertain Significance.

Juno Genomics, Hangzhou Juno Genomics, Inc
Classification: Uncertain significance for Muscular dystrophy-dystroglycanopathy (congenital with brain and eye anomalies), type A9; Autosomal recessive limb-girdle muscular dystrophy type 2P. Review status: criteria provided, single submitter. Criteria: ACMG Guidelines, 2015. Collection method: clinical testing. Allele origin: germline.
Comment: Multiple lines of computational evidence support a deleterious effect on the gene or gene product.